The following is an entry in ClinVar:

ClinVar aggregate classification (germline): Uncertain significance (1 of 4 stars; one submission).

Submission:

Ambry Genetics
Classification: Uncertain significance. Last evaluated: 2024-01-26. Review status: criteria provided, single submitter. Criteria: Ambry Variant Classification Scheme 2023. Collection method: clinical testing. Allele origin: germline.
Comment: The p.V1787L variant (also known as c.5359G>C), located in coding exon 5 of the ALPK2 gene, results from a G to C substitution at nucleotide position 5359. The valine at codon 1787 is replaced by leucine, an amino acid with highly similar properties. This amino acid position is conserved. In addition, this alteration is predicted to be tolerated by in silico analysis. Based on the available evidence, the clinical significance of this alteration remains unclear.

NM_052947.4(ALPK2):c.5359G>C (p.Val1787Leu)

Gene: ALPK2 (alpha kinase 2; minus strand). Cytogenetic location: 18q21.31.
Variant type: single nucleotide variant.
Coding change: c.5359G>C on transcript NM_052947.4 (MANE Select); coding-DNA position 5359, G replaced by C.
Protein change: p.Val1787Leu; replaces valine 1787 with leucine.
Molecular consequence: missense variant.
Genome position (GRCh38, 1-based): chr18:58,529,233, C>G on the plus strand (G>C on the coding strand, the complement: ALPK2 is on the minus strand). VCF-style: chr18-58529233-C-G. GRCh37 (hg19) VCF-style: chr18-56196465-C-G.
Other names: short protein forms V1787L.
Identifiers: ClinVar variation 3228795 (VCV003228795.1), dbSNP rs1439226554, ClinGen allele CA402554332.